The following is an entry in ClinVar:

NM_000290.4(PGAM2):c.256C>T (p.Arg86Cys)

Genes: PGAM2 (phosphoglycerate mutase 2; minus strand), DBNL (drebrin like; plus strand), LOC129998343 (ATAC-STARR-seq lymphoblastoid active region 25926; plus strand). Cytogenetic location: 7p13.
Variant type: single nucleotide variant.
Coding change: c.256C>T on transcript NM_000290.4 (MANE Select); coding-DNA position 256, C replaced by T.
Protein change: p.Arg86Cys; replaces arginine 86 with cysteine.
Molecular consequence: missense variant. On other transcripts: 3 prime UTR variant (6).
Genome position (GRCh38, 1-based): chr7:44,065,274, G>A on the plus strand (C>T on the coding strand, the complement: PGAM2 is on the minus strand). VCF-style: chr7-44065274-G-A. GRCh37 (hg19) VCF-style: chr7-44104873-G-A.
Other names: c.*4358G>A (NM_001014436.3, NM_001122956.2, NM_001284313.2 and 3 more transcripts); short protein forms R86C.
Identifiers: ClinVar variation 855880 (VCV000855880.4), dbSNP rs371509257, ClinGen allele CA4236640.

ClinVar aggregate classification (germline): Uncertain significance. Review status: criteria provided, multiple submitters, no conflicts (2 of 4 stars). 2 submissions from 2 submitters: Uncertain significance (2). Last evaluated 2022-07-19.

Conditions:
Glycogen storage disease type X (GSD10). Also called: MYOPATHY DUE TO PHOSPHOGLYCERATE MUTASE DEFICIENCY; PGAMM DEFICIENCY; PHOSPHOGLYCERATE MUTASE, MUSCLE, DEFICIENCY OF; Dimauro disease; Glycogen storage disease due to phosphoglycerate mutase deficiency; GSD X. Identifiers: Orphanet 97234, MedGen C0268149, MONDO:0009865, OMIM 261670.

Allele frequency attached by ClinVar (database versions not stated): gnomAD exomes 0.00003 and 0.00006; TOPMed 0.00003; gnomAD 0.00006 and 0.00007; ExAC 0.00007; ESP Exome Variant Server 0.00008.
gnomAD v4.1: 54 of 1,613,416 alleles (0.0033%); highest among the groups gnomAD compares: Admixed American, 0.005%; no homozygotes.

Submissions (2):

Labcorp Genetics (formerly Invitae), Labcorp
Classification: Uncertain significance for Glycogen storage disease type X. Last evaluated: 2022-07-19. Review status: criteria provided, single submitter. Criteria: Invitae Variant Classification Sherloc (09022015). Collection method: clinical testing. Allele origin: germline.
Comment: This sequence change replaces arginine, which is basic and polar, with cysteine, which is neutral and slightly polar, at codon 86 of the PGAM2 protein (p.Arg86Cys). This variant is present in population databases (rs371509257, gnomAD 0.1%). This variant has not been reported in the literature in individuals affected with PGAM2-related conditions. ClinVar contains an entry for this variant (Variation ID: 855880). Algorithms developed to predict the effect of missense changes on protein structure and function (SIFT, PolyPhen-2, Align-GVGD) all suggest that this variant is likely to be disruptive. In summary, the available evidence is currently insufficient to determine the role of this variant in disease. Therefore, it has been classified as a Variant of Uncertain Significance.

Department of Pathology and Laboratory Medicine, Sinai Health System
Classification: Uncertain significance for Glycogen storage disease type X. Last evaluated: 2021-10-18. Review status: criteria provided, single submitter. Criteria: ACMG Guidelines, 2015. Collection method: research. Allele origin: germline.